The following is an entry in ClinVar:

ClinVar aggregate classification (germline): Uncertain significance. Review status: criteria provided, multiple submitters, no conflicts (2 of 4 stars). 4 submissions from 4 submitters: Uncertain significance (3). 1 of the submissions does not count toward it. Last evaluated 2026-03-02.

Conditions:
Cardiovascular phenotype. Identifiers: MedGen CN230736.

Allele frequency attached by ClinVar (database versions not stated): gnomAD exomes 0.00001; ExAC 0.00002; gnomAD 0.00002; TOPMed 0.00002.
gnomAD v4.1: 17 of 1,613,070 alleles (0.0011%); highest among the groups gnomAD compares: Non-Finnish European, 0.0014%; no homozygotes.

Submissions (4):

Women's Health and Genetics/Laboratory Corporation of America, LabCorp
Classification: Uncertain significance. Last evaluated: 2026-03-02. Review status: criteria provided, single submitter. Criteria: LabCorp Variant Classification Summary - May 2015. Collection method: clinical testing. Allele origin: germline.
Comment: Variant summary: TNXB c.7919C>G (p.Thr2640Ser) results in a conservative amino acid change in the encoded protein sequence. Algorithms developed to predict the effect of missense changes on protein structure and function all suggest that this variant is likely to be tolerated. The variant allele was found at a frequency of 1.2e-05 in 247186 control chromosomes. The available data on variant occurrences in the general population are insufficient to allow any conclusion about variant significance. To our knowledge, no occurrence of c.7919C>G in individuals affected with TNXB-related conditions and no experimental evidence demonstrating its impact on protein function have been reported. ClinVar contains an entry for this variant (Variation ID: 1050256). Based on the evidence outlined above, the variant was classified as uncertain significance.

Ambry Genetics
Classification: Uncertain significance for Cardiovascular phenotype. Last evaluated: 2025-03-04. Review status: criteria provided, single submitter. Criteria: Ambry Variant Classification Scheme 2023. Collection method: clinical testing. Allele origin: germline.
Comment: The p.T2640S variant (also known as c.7919C>G), located in coding exon 22 of the TNXB gene, results from a C to G substitution at nucleotide position 7919. The threonine at codon 2640 is replaced by serine, an amino acid with similar properties. This amino acid position is conserved. In addition, this alteration is predicted to be tolerated by in silico analysis. Based on the available evidence, the clinical significance of this variant remains unclear.

GeneDx
Classification: Uncertain significance. Last evaluated: 2019-09-04. Review status: criteria provided, single submitter. Criteria: GeneDx Variant Classification Process June 2021. Collection method: clinical testing. Allele origin: germline. Affected: yes.
Comment: Not observed at a significant frequency in large population cohorts (Lek et al., 2016); In silico analysis, which includes protein predictors and evolutionary conservation, supports that this variant does not alter protein structure/function; Has not been previously published as pathogenic or benign to our knowledge

Department of Pathology and Laboratory Medicine, Sinai Health System
Classification: Uncertain significance. Review status: no assertion criteria provided. Collection method: clinical testing. Allele origin: unknown. Affected: yes. Study: The Canadian Open Genetics Repository (COGR). Not counted in ClinVar's aggregate classification.
Comment: The TNXB p.Thr2640Ser variant was not identified in the literature nor was it identified in ClinVar. The variant was identified in dbSNP (ID: rs778066136) and LOVD 3.0 (classified as likely benign by VKGL-NL). The variant was identified in control databases in 3 of 247186 chromosomes at a frequency of 0.00001214 (Genome Aggregation Database March 6, 2019, v2.1.1). The variant was observed in the European (non-Finnish) population in 3 of 111572 chromosomes (freq: 0.000027), but was not observed in the African, Latino, Ashkenazi Jewish, East Asian, European (Finnish), Other, or South Asian populations. The p.Thr2640 residue is conserved across mammals and other organisms however three out of four computational analyses (SIFT, AlignGVGD, BLOSUM, MutationTaster) do not suggest a high likelihood of impact to the protein; this information is not predictive enough to rule out pathogenicity. The variant occurs outside of the splicing consensus sequence and in silico or computational prediction software programs (SpliceSiteFinder, MaxEntScan, NNSPLICE, GeneSplicer) do not predict a difference in splicing. In summary, based on the above information the clinical significance of this variant cannot be determined with certainty at this time. This variant is classified as a variant of uncertain significance.

NM_001365276.2(TNXB):c.7919C>G (p.Thr2640Ser)

Gene: TNXB (tenascin XB; minus strand). Cytogenetic location: 6p21.33.
Variant type: single nucleotide variant.
Coding change: c.7919C>G on transcript NM_001365276.2 (MANE Select); coding-DNA position 7919, C replaced by G.
Protein change: p.Thr2640Ser; replaces threonine 2640 with serine.
Molecular consequence: missense variant.
Genome position (GRCh38, 1-based): chr6:32,056,810, G>C on the plus strand (C>G on the coding strand, the complement: TNXB is on the minus strand). VCF-style: chr6-32056810-G-C. GRCh37 (hg19) VCF-style: chr6-32024587-G-C.
Other names: c.7919C>G, p.Thr2640Ser (NM_019105.8); short protein forms T2640S.
Identifiers: ClinVar variation 1050256 (VCV001050256.5), dbSNP rs778066136, ClinGen allele CA3734008.